The following is an entry in ClinVar:

NM_001267550.2(TTN):c.71302C>T (p.Gln23768Ter)

Genes: TTN (titin; minus strand), TTN-AS1 (TTN antisense RNA 1; plus strand). Cytogenetic location: 2q31.2.
Variant type: single nucleotide variant.
Coding change: c.71302C>T on transcript NM_001267550.2 (MANE Select); coding-DNA position 71302, C replaced by T.
Protein change: p.Gln23768Ter; replaces glutamine 23768 with a stop codon.
Molecular consequence: nonsense.
Genome position (GRCh38, 1-based): chr2:178,574,830, G>A on the plus strand (C>T on the coding strand, the complement: TTN is on the minus strand). VCF-style: chr2-178574830-G-A. GRCh37 (hg19) VCF-style: chr2-179439557-G-A.
Other names: c.66379C>T, p.Gln22127Ter (NM_001256850.1); c.44107C>T, p.Gln14703Ter (NM_003319.4); c.63598C>T, p.Gln21200Ter (NM_133378.4); c.44482C>T, p.Gln14828Ter (NM_133432.3); c.44683C>T, p.Gln14895Ter (NM_133437.4); short protein forms Q14703*, Q14828*, Q14895*, Q21200*, Q22127*, Q23768*.
Identifiers: ClinVar variation 3362950 (VCV003362950.2).

ClinVar aggregate classification (germline): Likely pathogenic. Review status: criteria provided, single submitter (1 of 4 stars). 2 submissions from 2 submitters: Likely pathogenic (1). 1 of the submissions does not count toward it. Last evaluated 2026-02-13.

Conditions:
Dilated cardiomyopathy 1G (CMD1G). Identifiers: Orphanet 154, MedGen C1858763, MONDO:0011400, OMIM 604145.

Submissions (2):

GeneDx
Classification: Likely pathogenic. Last evaluated: 2026-02-13. Review status: criteria provided, single submitter. Criteria: GeneDx Variant Classification Process June 2021. Collection method: clinical testing. Allele origin: germline.
Comment: Nonsense variant predicted to result in protein truncation or nonsense mediated decay in a gene for which loss of function is a known mechanism of disease; Located in the A-band, a region of TTN for which truncating variants are significantly associated with autosomal dominant cardiomyopathy and also with autosomal recessive skeletal myopathies (PMID: 22335739, 32778822); Reported in a patient with cardiomyopathy, although further clinical data was not provided (PMID: 39844436); Not observed at significant frequency in large population cohorts (gnomAD); This variant is associated with the following publications: (PMID: 22335739, 32778822, 39844436)

Cardiogenetics and Myogenetics Molecular and Cellular Functional Unit, Aphp Sorbonne University-Hopital Pitie Salpetriere
Classification: Likely pathogenic for Dilated cardiomyopathy 1G. Last evaluated: 2024-01-06. Review status: no assertion criteria provided. Collection method: clinical testing. Allele origin: germline. Affected: yes. Not counted in ClinVar's aggregate classification.